The following is an entry in ClinVar:

NM_014639.4(SKIC3):c.2363G>A (p.Arg788His)

Gene: SKIC3 (SKI3 subunit of superkiller complex; minus strand). Cytogenetic location: 5q15.
Variant type: single nucleotide variant.
Coding change: c.2363G>A on transcript NM_014639.4 (MANE Select); coding-DNA position 2363, G replaced by A.
Protein change: p.Arg788His; replaces arginine 788 with histidine.
Molecular consequence: missense variant.
Genome position (GRCh38, 1-based): chr5:95,516,989, C>T on the plus strand (G>A on the coding strand, the complement: SKIC3 is on the minus strand). VCF-style: chr5-95516989-C-T. GRCh37 (hg19) VCF-style: chr5-94852693-C-T.
Other names: short protein forms R788H.
Identifiers: ClinVar variation 1913546 (VCV001913546.2), dbSNP rs765200068, ClinGen allele CA3347102.

ClinVar aggregate classification (germline): Uncertain significance (1 of 4 stars; one submission).

Allele frequency attached by ClinVar (database versions not stated): gnomAD 0.00001; ExAC 0.00002.
gnomAD v4.1: 33 of 1,613,338 alleles (0.002%); highest among the groups gnomAD compares: Middle Eastern, 0.05%; no homozygotes.

Submission:

Labcorp Genetics (formerly Invitae), Labcorp
Classification: Uncertain significance. Last evaluated: 2022-07-19. Review status: criteria provided, single submitter. Criteria: Invitae Variant Classification Sherloc (09022015). Collection method: clinical testing. Allele origin: germline.
Comment: This sequence change replaces arginine, which is basic and polar, with histidine, which is basic and polar, at codon 788 of the TTC37 protein (p.Arg788His). This variant is present in population databases (rs765200068, gnomAD 0.003%). This variant has not been reported in the literature in individuals affected with TTC37-related conditions. Algorithms developed to predict the effect of missense changes on protein structure and function output the following: SIFT: "Tolerated"; PolyPhen-2: "Benign"; Align-GVGD: "Class C0". The histidine amino acid residue is found in multiple mammalian species, which suggests that this missense change does not adversely affect protein function. In summary, the available evidence is currently insufficient to determine the role of this variant in disease. Therefore, it has been classified as a Variant of Uncertain Significance.